The following is an entry in ClinVar:

ClinVar aggregate classification (germline): Uncertain significance (1 of 4 stars; one submission).

gnomAD v4.1: 1 of 1,613,772 alleles (0.000062%); highest among the groups gnomAD compares: Non-Finnish European, 0.000085%; no homozygotes.

Submission:

GeneDx
Classification: Uncertain significance. Last evaluated: 2025-07-29. Review status: criteria provided, single submitter. Criteria: GeneDx Variant Classification Process June 2021. Collection method: clinical testing. Allele origin: germline. Affected: yes.
Comment: Not observed at significant frequency in large population cohorts (gnomAD); In silico analysis supports that this missense variant has a deleterious effect on protein structure/function; Has not been previously published as pathogenic or benign to our knowledge

NM_000384.3(APOB):c.12899A>C (p.Gln4300Pro)

Gene: APOB (apolipoprotein B; minus strand). Cytogenetic location: 2p24.1.
Variant type: single nucleotide variant.
Coding change: c.12899A>C on transcript NM_000384.3 (MANE Select); coding-DNA position 12899, A replaced by C.
Protein change: p.Gln4300Pro; replaces glutamine 4300 with proline.
Molecular consequence: missense variant.
Genome position (GRCh38, 1-based): chr2:21,002,523, T>G on the plus strand (A>C on the coding strand, the complement: APOB is on the minus strand). VCF-style: chr2-21002523-T-G. GRCh37 (hg19) VCF-style: chr2-21225395-T-G.
Other names: short protein forms Q4300P.
Identifiers: ClinVar variation 4689992 (VCV004689992.1).